The following is an entry in ClinVar:

ClinVar aggregate classification (germline): Uncertain significance. Review status: criteria provided, multiple submitters, no conflicts (2 of 4 stars). 3 submissions from 3 submitters: Uncertain significance (3). Last evaluated 2025-10-15.

Conditions:
Inborn genetic diseases. Identifiers: MedGen C0950123, MeSH D030342.

Allele frequency attached by ClinVar (database versions not stated): ExAC 0.00006; gnomAD exomes 0.00008 and 0.00004; TOPMed 0.00004.
gnomAD v4.1: 26 of 1,613,948 alleles (0.0016%); highest among the groups gnomAD compares: Admixed American, 0.037%; no homozygotes.

Submissions (3):

Ambry Genetics
Classification: Uncertain significance for Inborn genetic diseases. Last evaluated: 2025-10-15. Review status: criteria provided, single submitter. Criteria: Ambry Variant Classification Scheme 2023. Collection method: clinical testing. Allele origin: germline.

Labcorp Genetics (formerly Invitae), Labcorp
Classification: Uncertain significance. Last evaluated: 2024-12-02. Review status: criteria provided, single submitter. Criteria: Invitae Variant Classification Sherloc (09022015). Collection method: clinical testing. Allele origin: germline.
Comment: This sequence change replaces glycine, which is neutral and non-polar, with alanine, which is neutral and non-polar, at codon 3663 of the FAT4 protein (p.Gly3663Ala). This variant is present in population databases (rs777960103, gnomAD 0.04%). This variant has not been reported in the literature in individuals affected with FAT4-related conditions. ClinVar contains an entry for this variant (Variation ID: 1520271). Invitae Evidence Modeling of protein sequence and biophysical properties (such as structural, functional, and spatial information, amino acid conservation, physicochemical variation, residue mobility, and thermodynamic stability) indicates that this missense variant is not expected to disrupt FAT4 protein function with a negative predictive value of 95%. In summary, the available evidence is currently insufficient to determine the role of this variant in disease. Therefore, it has been classified as a Variant of Uncertain Significance.

GeneDx
Classification: Uncertain significance. Last evaluated: 2024-05-19. Review status: criteria provided, single submitter. Criteria: GeneDx Variant Classification Process June 2021. Collection method: clinical testing. Allele origin: germline. Affected: yes.
Comment: In silico analysis indicates that this missense variant does not alter protein structure/function; Has not been previously published as pathogenic or benign to our knowledge

NM_001291303.3(FAT4):c.10994G>C (p.Gly3665Ala)

Gene: FAT4 (FAT atypical cadherin 4; plus strand). Cytogenetic location: 4q28.1.
Variant type: single nucleotide variant.
Coding change: c.10994G>C on transcript NM_001291303.3 (MANE Select); coding-DNA position 10994, G replaced by C.
Protein change: p.Gly3665Ala; replaces glycine 3665 with alanine.
Molecular consequence: missense variant.
Genome position (GRCh38, 1-based): chr4:125,452,004, G>C. VCF-style: chr4-125452004-G-C. GRCh37 (hg19) VCF-style: chr4-126373159-G-C.
Other names: c.10988G>C (NM_024582.4); c.10994G>C, p.Gly3665Ala (NM_001291285.3); c.10988G>C, p.Gly3663Ala (NM_024582.6); short protein forms G3663A, G3665A.
Identifiers: ClinVar variation 1520271 (VCV001520271.7), dbSNP rs777960103, ClinGen allele CA3073769.